The following is an entry in ClinVar:

ClinVar aggregate classification (germline): Pathogenic (1 of 4 stars; one submission).

Conditions:
Baller-Gerold syndrome (BGS). Also called: CRANIOSYNOSTOSIS WITH RADIAL DEFECTS. Identifiers: Orphanet 1225, MedGen C0265308, MONDO:0009039, OMIM 218600.

Submission:

Labcorp Genetics (formerly Invitae), Labcorp
Classification: Pathogenic for Baller-Gerold syndrome. Last evaluated: 2021-11-02. Review status: criteria provided, single submitter. Criteria: Invitae Variant Classification Sherloc (09022015). Collection method: clinical testing. Allele origin: germline.
Comment: For these reasons, this variant has been classified as Pathogenic. This variant has not been reported in the literature in individuals affected with RECQL4-related conditions. This variant is not present in population databases (gnomAD no frequency). This sequence change creates a premature translational stop signal (p.Asp685Profs*123) in the RECQL4 gene. It is expected to result in an absent or disrupted protein product. Loss-of-function variants in RECQL4 are known to be pathogenic (PMID: 12734318, 12952869).

Literature cited by the submitters: PubMed 12734318; PubMed 12952869.

NM_004260.4(RECQL4):c.2053_2054del (p.Asp685fs)

Gene: RECQL4 (RecQ like helicase 4; minus strand). Cytogenetic location: 8q24.3.
Variant type: Deletion.
Coding change: c.2053_2054del on transcript NM_004260.4 (MANE Select); coding-DNA positions 2053 to 2054, 2 bases deleted (GA; older notation c.2053_2054delGA).
Protein change: p.Asp685fs; shifts the reading frame from aspartic acid 685.
Molecular consequence: frameshift variant.
Genome position (GRCh38, 1-based): chr8:144,513,932-144,513,933, TC deleted on the plus strand (GA on the coding strand, the reverse complement: RECQL4 is on the minus strand); deleting any 2 consecutive bases within chr8:144,513,932-144,513,934 gives the same sequence; the c. name uses the placement nearest the transcript's 3' end. VCF-style (leftmost placement, unchanged base first): chr8-144513931-GTC-G. GRCh37 (hg19) VCF-style: chr8-145739315-GTC-G.
Other names: short protein forms D685fs.
Identifiers: ClinVar variation 1455616 (VCV001455616.6), dbSNP rs2130690035, ClinGen allele CA2573143084.